The following is an entry in ClinVar:

ClinVar aggregate classification (germline): Pathogenic (1 of 4 stars; one submission).

Conditions:
Holocarboxylase synthetase deficiency. Also called: MULTIPLE CARBOXYLASE DEFICIENCY, EARLY ONSET. Identifiers: Orphanet 79242, MedGen C0268581, MONDO:0009666, OMIM 253270.

Submission:

Myriad Genetics, Inc.
Classification: Pathogenic for Holocarboxylase synthetase deficiency. Last evaluated: 2025-08-18. Review status: criteria provided, single submitter. Criteria: Myriad Autosomal Dominant, Autosomal Recessive and X-Linked Classification Criteria (2023). Collection method: clinical testing. Allele origin: unknown.
Comment: NM_000411.6(HLCS):c.1042G>T(E348*) is expected to be pathogenic in the context of holocarboxylase synthetase deficiency. This variant is predicted to lead to an abnormal or absent protein product due to the creation of a premature termination codon in HLCS, a gene where loss-of-function variants are known to be pathogenic. Please note: this variant was assessed in the context of healthy population screening.

NM_001352514.2(HLCS):c.1483G>T (p.Glu495Ter)

Gene: HLCS (holocarboxylase synthetase; minus strand). Cytogenetic location: 21q22.13.
Variant type: single nucleotide variant.
Coding change: c.1483G>T on transcript NM_001352514.2 (MANE Select); coding-DNA position 1483, G replaced by T.
Protein change: p.Glu495Ter; replaces glutamic acid 495 with a stop codon.
Molecular consequence: nonsense. On other transcripts: non-coding transcript variant (2).
Genome position (GRCh38, 1-based): chr21:36,930,388, C>A on the plus strand (G>T on the coding strand, the complement: HLCS is on the minus strand). VCF-style: chr21-36930388-C-A. GRCh37 (hg19) VCF-style: chr21-38302688-C-A.
Other names: c.1042G>T, p.Glu348Ter (NM_000411.8, NM_001242784.3, NM_001242785.2 and 4 more transcripts); short protein forms E348*, E495*.
Identifiers: ClinVar variation 5014880 (VCV005014880.1).
Genomic context (GRCh38, chr21:36,930,388, plus strand): 5'-GAATCTCTCTAAGGACTTCGTATCTTCTAAAATTGCTTGACTTGAGCAAGTTAAAATCTT[C>A]TGGAGTTTGCACTATGTTGGAGCTGGGAGGTAGTTCTAAGTGCACCTGAAGGGGAAAGAT-3'